The following is an entry in ClinVar:

ClinVar aggregate classification (germline): Likely pathogenic (1 of 4 stars; one submission).

Conditions:
Spermatogenic failure 56. Identifiers: MedGen C5561978, MONDO:0030430, OMIM 619515.

gnomAD v4.1: 7 of 1,614,010 alleles (0.00043%); highest among the groups gnomAD compares: African/African-American, 0.0093%; no homozygotes.

Submission:

First Genomix Gene Laboratory, Genetic Diagnostics Department
Classification: Likely pathogenic for Spermatogenic failure 56. Last evaluated: 2025-12-29. Review status: criteria provided, single submitter. Criteria: ACMG Guidelines, 2015. Collection method: clinical testing. Allele origin: germline. Inheritance: Autosomal recessive inheritance. Affected: no. Observed: 1 variant allele.

NM_001372106.1(DNAH10):c.2368G>T (p.Glu790Ter)

Gene: DNAH10 (dynein axonemal heavy chain 10; plus strand). Cytogenetic location: 12q24.31.
Variant type: single nucleotide variant.
Coding change: c.2368G>T on transcript NM_001372106.1 (MANE Select); coding-DNA position 2368, G replaced by T.
Protein change: p.Glu790Ter; replaces glutamic acid 790 with a stop codon.
Molecular consequence: nonsense.
Genome position (GRCh38, 1-based): chr12:123,800,294, G>T. VCF-style: chr12-123800294-G-T. GRCh37 (hg19) VCF-style: chr12-124284841-G-T.
Other names: c.2014G>T, p.Glu672Ter (NM_207437.3); short protein forms E672*, E790*.
Identifiers: ClinVar variation 4850623 (VCV004850623.1).
Genomic context (GRCh38, chr12:123,800,294, plus strand): 5'-GAGCCTTCGACTTTAGAAAGGGGAGCTGTTTTTGCAATCAACTTTTCACCGGCTCTCAGA[G>T]AGATTATTAATGAAACAAAGTACTTAGAGCAGCTGGGGTTCACTGTCCCTGAATTAGCAA-3'